The following is an entry in ClinVar:

ClinVar aggregate classification (germline): Uncertain significance (1 of 4 stars; one submission).

Submission:

Labcorp Genetics (formerly Invitae), Labcorp
Classification: Uncertain significance. Last evaluated: 2023-12-26. Review status: criteria provided, single submitter. Criteria: Invitae Variant Classification Sherloc (09022015). Collection method: clinical testing. Allele origin: germline.
Comment: This variant results in a copy number gain of the genomic region encompassing exon(s) 3-10 of the NFIA gene. This region includes the termination codon of the gene. This copy number gain extends beyond the assayed region for this gene and therefore may encompass additional genes. As the precise location of this event is unknown, it may be in tandem or it may be located elsewhere in the genome. This variant has not been reported in the literature in individuals affected with NFIA-related conditions. Experimental studies and prediction algorithms are not available or were not evaluated, and the functional significance of this variant is currently unknown. In summary, the available evidence is currently insufficient to determine the role of this variant in disease. Therefore, it has been classified as a Variant of Uncertain Significance.

NC_000001.10:g.(?_61743172)_(61921051_?)dup

Gene: NFIA (nuclear factor I A; plus strand). Cytogenetic location: 1p31.3.
Variant type: Duplication.
Identifiers: ClinVar variation 2425383 (VCV002425383.4).